The following is an entry in ClinVar:

ClinVar aggregate classification (germline): Pathogenic (1 of 4 stars; one submission).

Submission:

Quest Diagnostics Nichols Institute San Juan Capistrano
Classification: Pathogenic. Last evaluated: 2022-09-12. Review status: criteria provided, single submitter. Criteria: ACMG/ClinGen CNV Guidelines, 2019. Collection method: clinical testing. Allele origin: unknown.
Comment: The copy number loss of 14q22.3q23.2 involves numerous protein-coding genes. Haploinsufficiency of OTX2 is associated with autosomal dominant microphthalmia 5 (OMIM 610125), combined pituitary hormone deficiency-6 (OMIM 613986), and early-onset renal dystrophy with or without pituitary disfunction (OMIM 610125). Loss of the 14q22.3q23.1 region has been identified in several individuals with variable phenotypes (Brisset 2014, Gerth-Kahlert 2013, Pichiecchio 2018). There are no similar copy number losses of this region in the general populations of the Database of Genomic Variants. Thus, based on current medical literature and gene content, this copy number variant (CNV) is classified as pathogenic. References: Brisset et al., Mol Cytogenet. 2014 Feb 28;7(1):17. PMID: 24581273 Gerth-Kahlert et al., Mol Genet Genomic Med. 2013 May;1(1):15-31. PMID: 24498598 Pichiecchio et al., BMC Med Genomics. 2018 Sep 29;11(1):87. PMID: 30268123

GRCh37/hg19 14q22.3-23.2(chr14:55667390-64447598)x1

Genes: HIF1A (hypoxia inducible factor 1 subunit alpha; plus strand), HIF1A-AS2 (HIF1A antisense RNA 2; minus strand), NAA30 (N-alpha-acetyltransferase 30, NatC catalytic subunit; plus strand), KIAA0586 (KIAA0586; plus strand), KTN1 (kinectin 1; plus strand) and 44 more. Cytogenetic location: 14q22.3-23.2.
Variant type: copy number loss.
Change: copy number 1 (one copy instead of two) of chr14:55,667,390-64,447,598 (8.78 Mb, GRCh37 coordinates, 1-based), cytogenetic band 14q22.3-23.2.
Identifiers: ClinVar variation 2685487 (VCV002685487.1).